The following is an entry in ClinVar:

NM_000277.3(PAH):c.638T>C (p.Leu213Pro)

Gene: PAH (phenylalanine hydroxylase; minus strand). Cytogenetic location: 12q23.2.
Variant type: single nucleotide variant.
Coding change: c.638T>C on transcript NM_000277.3 (MANE Select); coding-DNA position 638, T replaced by C.
Protein change: p.Leu213Pro; replaces leucine 213 with proline.
Molecular consequence: missense variant.
Genome position (GRCh38, 1-based): chr12:102,855,204, A>G on the plus strand (T>C on the coding strand, the complement: PAH is on the minus strand). VCF-style: chr12-102855204-A-G. GRCh37 (hg19) VCF-style: chr12-103248982-A-G.
Other names: p.L213P:CTT>CCT; NM_000277.1(PAH):c.638T>C; c.638T>C, p.Leu213Pro (NM_001354304.2); c.638T>C (NM_000277.2); short protein forms L213P.
Identifiers: ClinVar variation 92747 (VCV000092747.60), dbSNP rs62516109, ClinGen allele CA273109.

ClinVar aggregate classification (germline): Pathogenic. Review status: reviewed by expert panel (3 of 4 stars). 11 submissions from 11 submitters: Pathogenic (1). 10 of the submissions do not count toward it. Last evaluated 2018-10-01.

Conditions:
Phenylketonuria (PKU). Also called: Phenylketonuria (PKU); OLIGOPHRENIA PHENYLPYRUVICA; Phenylketonurias; FOLLING DISEASE. Identifiers: Orphanet 716, MedGen C0031485, MONDO:0009861, OMIM 261600. Disease mechanism: loss of function.

Allele frequency attached by ClinVar (database versions not stated): gnomAD exomes 0.00002.
gnomAD v4.1: 22 of 1,614,192 alleles (0.0014%); highest among the groups gnomAD compares: Non-Finnish European, 0.0019%; no homozygotes.

Submissions (11):

ClinGen PAH Variant Curation Expert Panel
Classification: Pathogenic for Phenylketonuria. Last evaluated: 2018-10-01. Review status: reviewed by expert panel. Criteria: ClinGen PAH ACMG Specifications v1. Collection method: curation. Allele origin: germline. Inheritance: Autosomal recessive inheritance.
Comment: The c.638T>C (p.Leu213Pro) variant in PAH has been reported in in 4 patients with PAH deficiency (BH4 deficiency excluded). (PP4_Moderate; PMID: 8659548; PMID: 19292873; PMID: 21147011). This variant is absent from large population studies (PM2). This variant was detected in trans with c.1066-11G>A, E390G, D415N, R261X.(Pathogenic in ClinVar) (PM3_Very-strong; PMID: 19292873; PMID: 21147011; PMID: 8632937). Computational prediction tools and conservation analysis suggest that the c.638T>C variant may impact the protein (PP3). In summary, this variant meets criteria to be classified as pathogenic for PAH. PAH-specific ACMG/AMP criteria applied: PP4_Moderate, PM3_Very-strong

Labcorp Genetics (formerly Invitae), Labcorp
Classification: Pathogenic for Phenylketonuria. Last evaluated: 2025-08-12. Review status: criteria provided, single submitter. Criteria: Invitae Variant Classification Sherloc (09022015). Collection method: clinical testing. Allele origin: germline. Not counted in ClinVar's aggregate classification.
Comment: This sequence change replaces leucine, which is neutral and non-polar, with proline, which is neutral and non-polar, at codon 213 of the PAH protein (p.Leu213Pro). This variant is not present in population databases (gnomAD no frequency). This missense change has been observed in individual(s) with phenylketonuria (PMID: 8632937, 9521426, 19292873, 22112818, 23430547). ClinVar contains an entry for this variant (Variation ID: 92747). Invitae Evidence Modeling of protein sequence and biophysical properties (such as structural, functional, and spatial information, amino acid conservation, physicochemical variation, residue mobility, and thermodynamic stability) indicates that this missense variant is expected to disrupt PAH protein function with a positive predictive value of 80%. For these reasons, this variant has been classified as Pathogenic.

Natera, Inc.
Classification: Pathogenic for Phenylketonuria. Last evaluated: 2024-09-26. Review status: criteria provided, single submitter. Criteria: Natera Variant Classification Schema (03/2026). Collection method: clinical testing. Allele origin: germline. Not counted in ClinVar's aggregate classification.
Comment: The c.638T>C variant in PAH is a missense variant predicted to cause substitution of leucine to proline at amino acid 213. This variant is rare in the general population with a frequency below the threshold expected for the associated phenotype(s). This variant has been observed in one or more individuals affected with the associated recessive disease, as either homozygous or compound heterozygous with a second variant (PMID: 26666653, 23430918). Computational prediction algorithms indicate this variant is likely to affect gene or protein function. Given the available evidence, this variant is classified as Pathogenic.

Baylor Genetics
Classification: Pathogenic for Phenylketonuria. Last evaluated: 2024-01-27. Review status: criteria provided, single submitter. Criteria: ACMG Guidelines, 2015. Collection method: clinical testing. Allele origin: unknown. Not counted in ClinVar's aggregate classification.

GeneDx
Classification: Pathogenic. Last evaluated: 2023-08-26. Review status: criteria provided, single submitter. Criteria: GeneDx Variant Classification Process June 2021. Collection method: clinical testing. Allele origin: germline. Affected: yes. Not counted in ClinVar's aggregate classification.
Comment: Not observed at significant frequency in large population cohorts (gnomAD); In silico analysis supports that this missense variant has a deleterious effect on protein structure/function; Tetrahydrobiopterin (BH4) responsiveness is inconsistent (Sarkissian et al., 2012; Djordjevic et al., 2013); This variant is associated with the following publications: (PMID: 9521426, 22112818, 23764561, 25750018, 23430918, 8659548, 23430547, 26666653, 19292873, 32668217, 35405047)

Women's Health and Genetics/Laboratory Corporation of America, LabCorp
Classification: Pathogenic for Phenylketonuria. Last evaluated: 2021-09-23. Review status: criteria provided, single submitter. Criteria: LabCorp Variant Classification Summary - May 2015. Collection method: clinical testing. Allele origin: germline. Not counted in ClinVar's aggregate classification.
Comment: Variant summary: PAH c.638T>C (p.Leu213Pro) results in a non-conservative amino acid change located in the Aromatic amino acid hydroxylase, C-terminal domain of the encoded protein sequence. Five of five in-silico tools predict a damaging effect of the variant on protein function. The variant was absent in 251336 control chromosomes. c.638T>C has been reported in the literature in multiple individuals affected with Phenylalanine Hydroxylase Deficiency (Phenylketonuria) in the homozygous and compound heterozygous state (Koch_1997, Sarkissian_2011, Jeannesson-Thivisol_2015, Shirzadeh_2018, etc). These data indicate that the variant is very likely to be associated with disease. To our knowledge, no experimental evidence demonstrating an impact on protein function has been reported. Six clinical diagnostic laboratories have submitted clinical-significance assessments for this variant to ClinVar after 2014 without evidence for independent evaluation. All laboratories classified the variant as pathogenic. Based on the evidence outlined above, the variant was classified as pathogenic.

CeGaT Center for Human Genetics Tuebingen
Classification: Pathogenic. Last evaluated: 2019-07-01. Review status: criteria provided, single submitter. Criteria: CeGaT Center For Human Genetics Tuebingen Variant Classification Criteria Version 2. Collection method: clinical testing. Allele origin: germline. Affected: yes. Observed: 1 variant allele. Not counted in ClinVar's aggregate classification.

Illumina Laboratory Services, Illumina
Classification: Pathogenic for Phenylketonuria. Last evaluated: 2018-08-14. Review status: criteria provided, single submitter. Criteria: ICSL Variant Classification Criteria 09 May 2019. Collection method: clinical testing. Allele origin: germline. Not counted in ClinVar's aggregate classification.
Comment: Across a selection of the available literature, the PAH c.638T>C (p.Leu213Pro) missense variant has been reported in seven individuals with phenylalanine hydroxylase (PAH) deficiency, including in six who carried the variant in a compound heterozygous state with a second variant and in one who was heterozygous for the variant with no second identified variant (Guldberg et al. 1996; Tyfield et al. 1997; Bosco et al. 1998; Daniele et al. 2009; Utz et al. 2012; Djordjevic et al. 2012; Polak et al. 2013). Of the compound heterozygotes, five presented with a classic phenylketonuria (PKU) phenotype, while the remaining compound heterozygote and the heterozygote both presented a mild hyperphenylalaninemia phenotype. Control data are unavailable for this variant which is not found in the 1000 Genomes Project, the Exome Sequencing Project, Exome Aggregation Consortium, or the Genome Aggregation Database in a region of good sequence coverage so the variant is presumed to be rare. Based on the collective evidence, the p.Leu213Pro variant is classified as pathogenic for phenylalanine hydroxylase deficiency. This variant was observed by ICSL as part of a predisposition screen in an ostensibly healthy population.

Eurofins Ntd Llc (ga)
Classification: Pathogenic. Last evaluated: 2012-08-14. Review status: criteria provided, single submitter. Criteria: EGL Classification Definitions 2015. Collection method: clinical testing. Allele origin: germline. Observed: 2 variant alleles, 2 heterozygotes. Not counted in ClinVar's aggregate classification.

Counsyl
Classification: Likely pathogenic for Phenylketonuria. Last evaluated: 2014-07-18. Review status: no assertion criteria provided. Collection method: literature only. Allele origin: unknown. Inheritance: Autosomal recessive inheritance. Not counted in ClinVar's aggregate classification.

DeBelle Laboratory for Biochemical Genetics, MUHC/MCH RESEARCH INSTITUTE
No classification provided. Review status: no classification provided. Collection method: not provided. Allele origin: not provided. Not counted in ClinVar's aggregate classification.

Literature cited by the submitters: PubMed 8659548 (cited by 3 submitters); PubMed 8632937 (cited by 3 submitters); PubMed 21147011 (cited by ClinGen PAH Variant Curation Expert Panel); PubMed 19292873 (cited by 4 submitters); PubMed 9521426 (cited by 3 submitters); PubMed 22112818 (cited by 3 submitters); PubMed 23430547 (cited by 3 submitters); PubMed 26666653 (cited by Natera, Inc. and Women's Health and Genetics/Laboratory Corporation of America, LabCorp); PubMed 23430918 (cited by 3 submitters); PubMed 9169088 (cited by Women's Health and Genetics/Laboratory Corporation of America, LabCorp); PubMed 30159852 (cited by Women's Health and Genetics/Laboratory Corporation of America, LabCorp); PubMed 9012412 (cited by Illumina Laboratory Services, Illumina and Counsyl); PubMed 23764561 (cited by Illumina Laboratory Services, Illumina and Counsyl); PubMed 16176881 (cited by Counsyl); PubMed 17924342 (cited by Counsyl).